The following is an entry in ClinVar:

ClinVar aggregate classification (germline): Uncertain significance (1 of 4 stars; one submission).

Conditions:
Familial adenomatous polyposis 1 (FAP1). Also called: FAMILIAL ADENOMATOUS POLYPOSIS 1, ATTENUATED; POLYPOSIS, ADENOMATOUS INTESTINAL. Identifiers: MedGen C2713442, MONDO:0021056, OMIM 175100. Disease mechanism: loss of function.

Submission:

Labcorp Genetics (formerly Invitae), Labcorp
Classification: Uncertain significance for Familial adenomatous polyposis 1. Last evaluated: 2024-10-15. Review status: criteria provided, single submitter. Criteria: Invitae Variant Classification Sherloc (09022015). Collection method: clinical testing. Allele origin: germline.
Comment: This sequence change replaces aspartic acid, which is acidic and polar, with glutamic acid, which is acidic and polar, at codon 209 of the APC protein (p.Asp209Glu). This variant is not present in population databases (gnomAD no frequency). This variant has not been reported in the literature in individuals affected with APC-related conditions. Invitae Evidence Modeling of protein sequence and biophysical properties (such as structural, functional, and spatial information, amino acid conservation, physicochemical variation, residue mobility, and thermodynamic stability) indicates that this missense variant is not expected to disrupt APC protein function with a negative predictive value of 95%. In summary, the available evidence is currently insufficient to determine the role of this variant in disease. Therefore, it has been classified as a Variant of Uncertain Significance.

NM_000038.6(APC):c.627T>G (p.Asp209Glu)

Gene: APC (APC regulator of Wnt signaling pathway; plus strand). Cytogenetic location: 5q22.2.
Variant type: single nucleotide variant.
Coding change: c.627T>G on transcript NM_000038.6 (MANE Select); coding-DNA position 627, T replaced by G.
Protein change: p.Asp209Glu; replaces aspartic acid 209 with glutamic acid.
Molecular consequence: missense variant. On other transcripts: 5 prime UTR variant (4), non-coding transcript variant (2).
Genome position (GRCh38, 1-based): chr5:112,780,885, T>G. VCF-style: chr5-112780885-T-G. GRCh37 (hg19) VCF-style: chr5-112116582-T-G.
Other names: c.627T>G, p.Asp209Glu (NM_001127510.3, NM_001354895.2, NM_001354896.2 and 16 more transcripts); c.657T>G, p.Asp219Glu (NM_001127511.3, NM_001354897.2, NM_001354902.2 and 1 more transcripts); c.552T>G, p.Asp184Glu (NM_001354898.2, NM_001354904.2, NM_001407451.1); c.450T>G, p.Asp150Glu (NM_001354900.2, NM_001354901.2, NM_001354905.2 and 1 more transcripts); c.-409T>G (NM_001354906.2, NM_001407470.1, NM_001407471.1 and 1 more transcripts); short protein forms D209E, D150E, D184E, D219E.
Identifiers: ClinVar variation 3635400 (VCV003635400.2).